The following is an entry in ClinVar:

NM_001277115.2(DNAH11):c.4581C>G (p.Asn1527Lys)

Gene: DNAH11 (dynein axonemal heavy chain 11; plus strand). Cytogenetic location: 7p15.3.
Variant type: single nucleotide variant.
Coding change: c.4581C>G on transcript NM_001277115.2 (MANE Select); coding-DNA position 4581, C replaced by G.
Protein change: p.Asn1527Lys; replaces asparagine 1527 with lysine.
Molecular consequence: missense variant.
Genome position (GRCh38, 1-based): chr7:21,635,951, C>G. VCF-style: chr7-21635951-C-G. GRCh37 (hg19) VCF-style: chr7-21675569-C-G.
Other names: c.4581C>G (NM_001277115.1); c.4596C>G, p.Asn1532Lys (NM_003777.3); short protein forms N1527K, N1532K.
Identifiers: ClinVar variation 2890469 (VCV002890469.4), dbSNP rs766093573, ClinGen allele CA4180103.

ClinVar aggregate classification (germline): Conflicting classifications of pathogenicity. Review status: criteria provided, conflicting classifications (1 of 4 stars). 2 submissions from 2 submitters: Uncertain significance (1); Benign (1). Last evaluated 2025-02-08.

Conditions:
Primary ciliary dyskinesia. Also called: Ciliary dyskinesia. Identifiers: Orphanet 244, MedGen C0008780, MONDO:0016575, HP:0012265.

Allele frequency attached by ClinVar (database versions not stated): gnomAD 0.00002; ExAC 0.00006; gnomAD exomes 0.00011.
gnomAD v4.1: 66 of 1,613,366 alleles (0.0041%); highest among the groups gnomAD compares: East Asian, 0.15%; 1 homozygote.

Submissions (2):

Labcorp Genetics (formerly Invitae), Labcorp
Classification: Benign for Primary ciliary dyskinesia. Last evaluated: 2025-02-08. Review status: criteria provided, single submitter. Criteria: Invitae Variant Classification Sherloc (09022015). Collection method: clinical testing. Allele origin: germline.

Ambry Genetics
Classification: Uncertain significance for Primary ciliary dyskinesia. Last evaluated: 2024-07-06. Review status: criteria provided, single submitter. Criteria: Ambry Variant Classification Scheme 2023. Collection method: clinical testing. Allele origin: germline.
Comment: The p.N1527K variant (also known as c.4581C>G), located in coding exon 26 of the DNAH11 gene, results from a C to G substitution at nucleotide position 4581. The asparagine at codon 1527 is replaced by lysine, an amino acid with similar properties. This amino acid position is conserved. In addition, this alteration is predicted to be tolerated by in silico analysis. Based on the available evidence, the clinical significance of this variant remains unclear.